The following is an entry in ClinVar:

ClinVar aggregate classification (germline): Uncertain significance (1 of 4 stars; one submission).

Conditions:
Curry-Hall syndrome (WAD). Also called: WEYERS ACRODENTAL DYSOSTOSIS. Identifiers: Orphanet 952, MedGen C0457013, MONDO:0008673, OMIM 193530.
Ellis-van Creveld syndrome (EVC). Also called: EVC-Related Ellis-van Creveld Syndrome; EVC2-Related Ellis-van Creveld Syndrome; MESOECTODERMAL DYSPLASIA; Chondroectodermal dysplasia. Identifiers: Orphanet 289, MedGen C0013903, MONDO:0009162, OMIM 225500.

gnomAD v4.1: 3 of 1,613,802 alleles (0.00019%); highest among the groups gnomAD compares: Admixed American, 0.005%; no homozygotes.

Submission:

Labcorp Genetics (formerly Invitae), Labcorp
Classification: Uncertain significance for Curry-Hall syndrome; Ellis-van Creveld syndrome. Last evaluated: 2024-02-11. Review status: criteria provided, single submitter. Criteria: Invitae Variant Classification Sherloc (09022015). Collection method: clinical testing. Allele origin: germline.
Comment: This sequence change replaces serine, which is neutral and polar, with threonine, which is neutral and polar, at codon 589 of the EVC2 protein (p.Ser589Thr). This variant is present in population databases (rs776164794, gnomAD 0.009%). This variant has not been reported in the literature in individuals affected with EVC2-related conditions. An algorithm developed to predict the effect of missense changes on protein structure and function (PolyPhen-2) suggests that this variant is likely to be disruptive. In summary, the available evidence is currently insufficient to determine the role of this variant in disease. Therefore, it has been classified as a Variant of Uncertain Significance.

NM_147127.5(EVC2):c.1766G>C (p.Ser589Thr)

Gene: EVC2 (EvC ciliary complex subunit 2; minus strand). Cytogenetic location: 4p16.2.
Variant type: single nucleotide variant.
Coding change: c.1766G>C on transcript NM_147127.5 (MANE Select); coding-DNA position 1766, G replaced by C.
Protein change: p.Ser589Thr; replaces serine 589 with threonine.
Molecular consequence: missense variant.
Genome position (GRCh38, 1-based): chr4:5,628,679, C>G on the plus strand (G>C on the coding strand, the complement: EVC2 is on the minus strand). VCF-style: chr4-5628679-C-G. GRCh37 (hg19) VCF-style: chr4-5630406-C-G.
Other names: c.1526G>C, p.Ser509Thr (NM_001166136.2); short protein forms S509T, S589T.
Identifiers: ClinVar variation 3758578 (VCV003758578.2).